The following is an entry in ClinVar:

ClinVar aggregate classification (germline): Uncertain significance. Review status: criteria provided, multiple submitters, no conflicts (2 of 4 stars). 7 submissions from 5 submitters: Uncertain significance (7). Last evaluated 2025-09-15.

Conditions:
Inborn genetic diseases. Identifiers: MedGen C0950123, MeSH D030342.
RYR1-related disorder. Also called: RYR1-related condition; RYR1-related disorders. Identifiers: MedGen CN239331.
Malignant hyperthermia, susceptibility to, 1 (MHS1). Also called: Anesthesia related hyperthermia; Malignant hyperpyrexia; Fulminating hyperpyrexia; Pharmacogenic myopathy; RYR1-Related Malignant Hyperthermia Susceptibility; Malignant hyperthermia suceptibility 1. Identifiers: Orphanet 423, MedGen C2930980, MONDO:0007783, OMIM 145600.
Congenital multicore myopathy with external ophthalmoplegia (CMYO1B). Also called: MULTICORE MYOPATHY; Minicore myopathy with external ophthalmoplegia; Congenital myopathy 1B, autosomal recessive; Minicore myopathy; MULTIMINICORE DISEASE WITH EXTERNAL OPHTHALMOPLEGIA. Identifiers: Orphanet 598, Orphanet 98905, MedGen C1850674, MONDO:0009712, OMIM 255320, HP:0003789.
Central core myopathy (CMYO1A). Also called: CONGENITAL MYOPATHY 1A, AUTOSOMAL DOMINANT, WITH SUSCEPTIBILITY TO MALIGNANT HYPERTHERMIA; Central core disease; Myopathy, central fibrillar. Identifiers: Orphanet 597, MedGen C5830701, MONDO:0007294, OMIM 117000.

Allele frequency attached by ClinVar (database versions not stated): TOPMed 0.00002.
gnomAD v4.1: 11 of 1,613,998 alleles (0.00068%); highest among the groups gnomAD compares: Non-Finnish European, 0.00093%; no homozygotes.

Submissions (7):

Labcorp Genetics (formerly Invitae), Labcorp
Classification: Uncertain significance for RYR1-related disorder. Last evaluated: 2025-09-15. Review status: criteria provided, single submitter. Criteria: Invitae Variant Classification Sherloc (09022015). Collection method: clinical testing. Allele origin: germline.
Comment: This sequence change replaces phenylalanine, which is neutral and non-polar, with leucine, which is neutral and non-polar, at codon 2664 of the RYR1 protein (p.Phe2664Leu). This variant is present in population databases (no rsID available, gnomAD 0.002%). This variant has not been reported in the literature in individuals affected with RYR1-related conditions. ClinVar contains an entry for this variant (Variation ID: 890372). Invitae Evidence Modeling of protein sequence and biophysical properties (such as structural, functional, and spatial information, amino acid conservation, physicochemical variation, residue mobility, and thermodynamic stability) indicates that this missense variant is not expected to disrupt RYR1 protein function with a negative predictive value of 80%. In summary, the available evidence is currently insufficient to determine the role of this variant in disease. Therefore, it has been classified as a Variant of Uncertain Significance.

Ambry Genetics
Classification: Uncertain significance for Inborn genetic diseases. Last evaluated: 2025-08-13. Review status: criteria provided, single submitter. Criteria: Ambry Variant Classification Scheme 2023. Collection method: clinical testing. Allele origin: germline.

Color Diagnostics, LLC DBA Color Health
Classification: Uncertain significance for Malignant hyperthermia, susceptibility to, 1. Last evaluated: 2024-07-23. Review status: criteria provided, single submitter. Criteria: ACMG Guidelines, 2015. Collection method: clinical testing. Allele origin: germline.
Comment: This missense variant replaces phenylalanine with leucine at codon 2664 of the RYR1 protein. Computational prediction is inconclusive regarding the impact of this variant on protein structure and function. To our knowledge, functional studies have not been reported for this variant. This variant has not been reported in individuals affected with RYR1-related disorders in the literature. This variant has been identified in 1/251346 chromosomes in the general population by the Genome Aggregation Database (gnomAD). The available evidence is insufficient to determine the role of this variant in disease conclusively. Therefore, this variant is classified as a Variant of Uncertain Significance.

Revvity Omics, Revvity
Classification: Uncertain significance. Last evaluated: 2023-02-05. Review status: criteria provided, single submitter. Criteria: ACMG Guidelines, 2015. Collection method: clinical testing. Allele origin: germline.

Illumina Laboratory Services, Illumina
Classification: Uncertain significance for Malignant hyperthermia, susceptibility to, 1. Last evaluated: 2018-01-13. Review status: criteria provided, single submitter. Criteria: ICSL Variant Classification Criteria 13 December 2019. Collection method: clinical testing. Allele origin: germline.

Illumina Laboratory Services, Illumina
Classification: Uncertain significance for Congenital multicore myopathy with external ophthalmoplegia. Last evaluated: 2018-01-13. Review status: criteria provided, single submitter. Criteria: ICSL Variant Classification Criteria 13 December 2019. Collection method: clinical testing. Allele origin: germline.

Illumina Laboratory Services, Illumina
Classification: Uncertain significance for Central core myopathy. Last evaluated: 2018-01-13. Review status: criteria provided, single submitter. Criteria: ICSL Variant Classification Criteria 13 December 2019. Collection method: clinical testing. Allele origin: germline.

NM_000540.3(RYR1):c.7992C>G (p.Phe2664Leu)

Gene: RYR1 (ryanodine receptor 1; plus strand). Cytogenetic location: 19q13.2.
Variant type: single nucleotide variant.
Coding change: c.7992C>G on transcript NM_000540.3 (MANE Select); coding-DNA position 7992, C replaced by G.
Protein change: p.Phe2664Leu; replaces phenylalanine 2664 with leucine.
Molecular consequence: missense variant.
Genome position (GRCh38, 1-based): chr19:38,504,285, C>G. VCF-style: chr19-38504285-C-G. GRCh37 (hg19) VCF-style: chr19-38994925-C-G.
Other names: c.7992C>G, p.Phe2664Leu (NM_001042723.2); short protein forms F2664L.
Identifiers: ClinVar variation 890372 (VCV000890372.11), dbSNP rs150620191, ClinGen allele CA405675814.